The following is an entry in ClinVar:

NM_001430.5(EPAS1):c.477C>G (p.Ser159Arg)

Genes: EPAS1 (endothelial PAS domain protein 1; plus strand), LOC126806210 (BRD4-independent group 4 enhancer GRCh37_chr2:46587586-46588785; plus strand). Cytogenetic location: 2p21.
Variant type: single nucleotide variant.
Coding change: c.477C>G on transcript NM_001430.5 (MANE Select); coding-DNA position 477, C replaced by G.
Protein change: p.Ser159Arg; replaces serine 159 with arginine.
Molecular consequence: missense variant.
Genome position (GRCh38, 1-based): chr2:46,360,660, C>G. VCF-style: chr2-46360660-C-G. GRCh37 (hg19) VCF-style: chr2-46587799-C-G.
Other names: short protein forms S159R.
Identifiers: ClinVar variation 3275660 (VCV003275660.1).

ClinVar aggregate classification (germline): Uncertain significance (1 of 4 stars; one submission).

Conditions:
Inborn genetic diseases. Identifiers: MedGen C0950123, MeSH D030342.

gnomAD v4.1: 4 of 1,613,878 alleles (0.00025%); highest among the groups gnomAD compares: South Asian, 0.0011%; no homozygotes.

Submission:

Ambry Genetics
Classification: Uncertain significance for Inborn genetic diseases. Last evaluated: 2024-06-13. Review status: criteria provided, single submitter. Criteria: Ambry Variant Classification Scheme 2023. Collection method: clinical testing. Allele origin: germline.
Comment: The p.S159R variant (also known as c.477C>G), located in coding exon 5 of the EPAS1 gene, results from a C to G substitution at nucleotide position 477. The serine at codon 159 is replaced by arginine, an amino acid with dissimilar properties. This amino acid position is conserved. In addition, this alteration is predicted to be tolerated by in silico analysis. Based on the available evidence, the clinical significance of this variant remains unclear.